The following is an entry in ClinVar:

NM_014704.4(CEP104):c.1213A>G (p.Ile405Val)

Gene: CEP104 (centrosomal protein 104; minus strand). Cytogenetic location: 1p36.32.
Variant type: single nucleotide variant.
Coding change: c.1213A>G on transcript NM_014704.4 (MANE Select); coding-DNA position 1213, A replaced by G.
Protein change: p.Ile405Val; replaces isoleucine 405 with valine.
Molecular consequence: missense variant.
Genome position (GRCh38, 1-based): chr1:3,836,599, T>C on the plus strand (A>G on the coding strand, the complement: CEP104 is on the minus strand). VCF-style: chr1-3836599-T-C. GRCh37 (hg19) VCF-style: chr1-3753163-T-C.
Other names: short protein forms I405V.
Identifiers: ClinVar variation 2198500 (VCV002198500.4), dbSNP rs1397558523, ClinGen allele CA338041835.

ClinVar aggregate classification (germline): Uncertain significance (1 of 4 stars; one submission).

Conditions:
Joubert syndrome 25 (JBTS25). Identifiers: Orphanet 475, MedGen C4084842, MONDO:0014770, OMIM 616781.

gnomAD v4.1: 6 of 1,613,178 alleles (0.00037%); highest among the groups gnomAD compares: South Asian, 0.0055%; no homozygotes.

Submission:

Labcorp Genetics (formerly Invitae), Labcorp
Classification: Uncertain significance for Joubert syndrome 25. Last evaluated: 2022-05-25. Review status: criteria provided, single submitter. Criteria: Invitae Variant Classification Sherloc (09022015). Collection method: clinical testing. Allele origin: germline.
Comment: This sequence change replaces isoleucine, which is neutral and non-polar, with valine, which is neutral and non-polar, at codon 405 of the CEP104 protein (p.Ile405Val). This variant is present in population databases (no rsID available, gnomAD 0.003%). This variant has not been reported in the literature in individuals affected with CEP104-related conditions. Algorithms developed to predict the effect of missense changes on protein structure and function output the following: SIFT: "Tolerated"; PolyPhen-2: "Benign"; Align-GVGD: "Class C0". The valine amino acid residue is found in multiple mammalian species, which suggests that this missense change does not adversely affect protein function. In summary, the available evidence is currently insufficient to determine the role of this variant in disease. Therefore, it has been classified as a Variant of Uncertain Significance.